The following is an entry in ClinVar:

NM_004817.4(TJP2):c.3372G>A (p.Thr1124=)

Gene: TJP2 (tight junction protein 2; plus strand). Cytogenetic location: 9q21.11.
Variant type: single nucleotide variant.
Coding change: c.3372G>A on transcript NM_004817.4 (MANE Select); coding-DNA position 3372, G replaced by A.
Protein change: p.Thr1124=; no amino-acid change (threonine 1124 retained).
Molecular consequence: synonymous variant.
Genome position (GRCh38, 1-based): chr9:69,252,865, G>A. VCF-style: chr9-69252865-G-A. GRCh37 (hg19) VCF-style: chr9-71867781-G-A.
Other names: c.3372G>A, p.Thr1124= (LRG_1201t1); c.2862G>A, p.Thr954= (NM_001170414.2); c.3273G>A, p.Thr1091= (NM_001170415.1); c.3465G>A, p.Thr1155= (NM_001170416.2); c.3297G>A, p.Thr1099= (NM_001369870.1); c.3303G>A, p.Thr1101= (NM_001369871.1); c.3261G>A, p.Thr1087= (NM_001369872.1); c.3048G>A, p.Thr1016= (NM_001369873.1); and 3 more.
Identifiers: ClinVar variation 259555 (VCV000259555.25), dbSNP rs745427593, ClinGen allele CA5073950.

ClinVar aggregate classification (germline): Conflicting classifications of pathogenicity. Review status: criteria provided, conflicting classifications (1 of 4 stars). 5 submissions from 5 submitters: Uncertain significance (1); Likely benign (4). Last evaluated 2025-04-01.

Allele frequency attached by ClinVar (database versions not stated): gnomAD 0.00001; ExAC 0.00004; gnomAD exomes 0.00005; TOPMed 0.00005.
gnomAD v4.1: 87 of 1,613,992 alleles (0.0054%); highest among the groups gnomAD compares: Middle Eastern, 0.099%; 1 homozygote.

Submissions (5):

CeGaT Center for Human Genetics Tuebingen
Classification: Likely benign. Last evaluated: 2025-04-01. Review status: criteria provided, single submitter. Criteria: CeGaT Center For Human Genetics Tuebingen Variant Classification Criteria Version 2. Collection method: clinical testing. Allele origin: germline. Affected: yes. Observed: 1 variant allele.
Comment: TJP2: BP4, BP7

Blueprint Genetics
Classification: Likely benign. Last evaluated: 2024-06-25. Review status: criteria provided, single submitter. Criteria: ACMG Guidelines, 2015. Collection method: clinical testing. Allele origin: germline.

Labcorp Genetics (formerly Invitae), Labcorp
Classification: Likely benign. Last evaluated: 2023-10-17. Review status: criteria provided, single submitter. Criteria: Invitae Variant Classification Sherloc (09022015). Collection method: clinical testing. Allele origin: germline.

Eurofins Ntd Llc (ga)
Classification: Uncertain significance. Last evaluated: 2016-12-28. Review status: criteria provided, single submitter. Criteria: EGL Classification Definitions 2015. Collection method: clinical testing. Allele origin: germline. Observed: 1 variant allele, 1 heterozygote.

PreventionGenetics, part of Exact Sciences
Classification: Likely benign. Review status: criteria provided, single submitter. Criteria: ACMG Guidelines, 2015. Collection method: clinical testing. Allele origin: germline.